The following is an entry in ClinVar:

NM_005633.4(SOS1):c.2326C>G (p.Leu776Val)

Gene: SOS1 (SOS Ras/Rac guanine nucleotide exchange factor 1; minus strand). Cytogenetic location: 2p22.1.
Variant type: single nucleotide variant.
Coding change: c.2326C>G on transcript NM_005633.4 (MANE Select); coding-DNA position 2326, C replaced by G.
Protein change: p.Leu776Val; replaces leucine 776 with valine.
Molecular consequence: missense variant.
Genome position (GRCh38, 1-based): chr2:39,012,190, G>C on the plus strand (C>G on the coding strand, the complement: SOS1 is on the minus strand). VCF-style: chr2-39012190-G-C. GRCh37 (hg19) VCF-style: chr2-39239331-G-C.
Other names: c.2305C>G, p.Leu769Val (NM_001382394.1); c.2326C>G, p.Leu776Val (NM_001382395.1); short protein forms L769V, L776V.
Identifiers: ClinVar variation 2039442 (VCV002039442.4), dbSNP rs2528992401, ClinGen allele CA346364124.
Genomic context (GRCh38, chr2:39,012,190, plus strand): 5'-ATAGATCTGATTCAAGTAAAGTGAGTTGTCGAGCAATTTCTATTGGGTGTAAGGTGAGCA[G>C]GTCAAAAGTCTCTATGTGCCCAGGTCTGCTTATATGCCACTCAACTGTGGGAGGTGAACT-3'
Protein context (NP_005624.2, residues 766-786): SRPGHIETFD[Leu776Val]LTLHPIEIAR

ClinVar aggregate classification (germline): Uncertain significance (1 of 4 stars; one submission).

Conditions:
RASopathy. Also called: rasopathies; Noonan spectrum disorder. Identifiers: Orphanet 536391, MedGen C5555857, MONDO:0021060.

Allele frequency attached by ClinVar (database versions not stated): gnomAD exomes below 0.00001.
gnomAD v4.1: 1 of 1,613,758 alleles (0.000062%); highest among the groups gnomAD compares: Non-Finnish European, 0.000085%; no homozygotes.

Submission:

Labcorp Genetics (formerly Invitae), Labcorp
Classification: Uncertain significance for RASopathy. Last evaluated: 2022-01-06. Review status: criteria provided, single submitter. Criteria: Invitae Variant Classification Sherloc (09022015). Collection method: clinical testing. Allele origin: germline.
Comment: In summary, the available evidence is currently insufficient to determine the role of this variant in disease. Therefore, it has been classified as a Variant of Uncertain Significance. Algorithms developed to predict the effect of missense changes on protein structure and function (SIFT, PolyPhen-2, Align-GVGD) all suggest that this variant is likely to be disruptive. This variant has not been reported in the literature in individuals affected with SOS1-related conditions. This variant is not present in population databases (gnomAD no frequency). This sequence change replaces leucine, which is neutral and non-polar, with valine, which is neutral and non-polar, at codon 776 of the SOS1 protein (p.Leu776Val).